The following is an entry in ClinVar:

ClinVar aggregate classification (germline): Pathogenic/Likely pathogenic. Review status: criteria provided, multiple submitters, no conflicts (2 of 4 stars). 5 submissions from 5 submitters: Pathogenic (3); Likely pathogenic (1). 1 of the submissions does not count toward it. Last evaluated 2026-01-20.

Conditions:
Primary hyperoxaluria. Identifiers: Orphanet 416, MedGen C0020501, MONDO:0002474.
Primary hyperoxaluria, type I (HP1). Also called: GLYCOLIC ACIDURIA; HEPATIC AGT DEFICIENCY; OXALOSIS I; Primary hyperoxaluria type 1. Identifiers: Orphanet 416, Orphanet 93598, MedGen C0268164, MONDO:0009823, OMIM 259900. Disease mechanism: loss of function.

Submissions (5):

Labcorp Genetics (formerly Invitae), Labcorp
Classification: Pathogenic. Last evaluated: 2026-01-20. Review status: criteria provided, single submitter. Criteria: Invitae Variant Classification Sherloc (09022015). Collection method: clinical testing. Allele origin: germline.
Comment: This sequence change creates a premature translational stop signal (p.Leu43Cysfs*3) in the AGXT gene. It is expected to result in an absent or disrupted protein product. Loss-of-function variants in AGXT are known to be pathogenic (PMID: 19479957). This variant is present in population databases (rs765811788, gnomAD 0.01%). This premature translational stop signal has been observed in individual(s) with clinical features of hyperoxaluria (PMID: 17495019). ClinVar contains an entry for this variant (Variation ID: 204176). For these reasons, this variant has been classified as Pathogenic.

Baylor Genetics
Classification: Pathogenic for Primary hyperoxaluria, type I. Last evaluated: 2023-10-17. Review status: criteria provided, single submitter. Criteria: ACMG Guidelines, 2015. Collection method: clinical testing. Allele origin: unknown.

Fulgent Genetics
Classification: Likely pathogenic for Primary hyperoxaluria, type I. Last evaluated: 2021-10-01. Review status: criteria provided, single submitter. Criteria: ACMG Guidelines, 2015. Collection method: clinical testing. Allele origin: unknown.

Women's Health and Genetics/Laboratory Corporation of America, LabCorp
Classification: Pathogenic for Primary hyperoxaluria. Last evaluated: 2020-02-17. Review status: criteria provided, single submitter. Criteria: LabCorp Variant Classification Summary - May 2015. Collection method: clinical testing. Allele origin: germline.
Comment: Variant summary: AGXT c.126delG (p.Leu43CysfsX3) results in a premature termination codon, predicted to cause a truncation of the encoded protein or absence of the protein due to nonsense mediated decay, which are commonly known mechanisms for disease. Truncations downstream of this position have been classified as pathogenic by our laboratory. The variant allele was found at a frequency of 1.2e-05 in 247266 control chromosomes. c.126delG has been reported in the literature in at least one individual affected with Primary Hyperoxaluria Type 1 (Williams_2007). These data indicate that the variant may be associated with disease. At least one publication reports experimental evidence evaluating an impact on protein function. The most pronounced variant effect results in <10% of normal activity (Williams_2007). No clinical diagnostic laboratories have submitted clinical-significance assessments for this variant to ClinVar after 2014. Based on the evidence outlined above, the variant was classified as pathogenic.

Clinical Biochemistry Laboratory, Health Services Laboratory
Classification: Pathogenic for Primary hyperoxaluria, type I. Last evaluated: 2014-11-27. Review status: no assertion criteria provided. Collection method: research. Allele origin: germline. Affected: yes. Not counted in ClinVar's aggregate classification.

Literature cited by the submitters: PubMed 19479957 (cited by Labcorp Genetics (formerly Invitae), Labcorp); PubMed 17495019 (cited by 3 submitters).

NM_000030.3(AGXT):c.126del (p.Leu43fs)

Gene: AGXT (alanine--glyoxylate aminotransferase; plus strand). Cytogenetic location: 2q37.3.
Variant type: Deletion.
Coding change: c.126del on transcript NM_000030.3 (MANE Select); coding-DNA position 126, one base deleted (G; older notation c.126delG).
Protein change: p.Leu43fs; shifts the reading frame from leucine 43.
Molecular consequence: frameshift variant.
Genome position (GRCh38, 1-based): chr2:240,868,991, G deleted; the last of 6 consecutive G bases (chr2:240,868,986-240,868,991); deleting any one gives the same sequence. VCF-style (leftmost placement, unchanged base first): chr2-240868985-CG-C. GRCh37 (hg19) VCF-style: chr2-241808402-CG-C.
Other names: c.126del (NM_000030.2); short protein forms L43fs.
Identifiers: ClinVar variation 204176 (VCV000204176.14), dbSNP rs180177171, ClinGen allele CA275817.
Genomic context (GRCh38, chr2:240,868,985, plus strand): 5'-CCCCAACCAGCTCCTGCTGGGGCCTGGTCCTTCCAACCTGCCTCCTCGCATCATGGCAGC[CG>C]GGGGGCTGCAGATGATCGGGTCCATGAGCAAGGATATGTACCAGGTAGGAGTGGGGGTCA-3'